The following is an entry in ClinVar:

NM_022114.4(PRDM16):c.784G>A (p.Glu262Lys)

Gene: PRDM16 (PR/SET domain 16; plus strand). Cytogenetic location: 1p36.32.
Variant type: single nucleotide variant.
Coding change: c.784G>A on transcript NM_022114.4 (MANE Select); coding-DNA position 784, G replaced by A.
Protein change: p.Glu262Lys; replaces glutamic acid 262 with lysine.
Molecular consequence: missense variant.
Genome position (GRCh38, 1-based): chr1:3,402,898, G>A. VCF-style: chr1-3402898-G-A. GRCh37 (hg19) VCF-style: chr1-3319462-G-A.
Other names: c.784G>A, p.Glu262Lys (NM_199454.3); short protein forms E262K.
Identifiers: ClinVar variation 2716200 (VCV002716200.3), dbSNP rs376469401, ClinGen allele CA543961.

ClinVar aggregate classification (germline): Uncertain significance (1 of 4 stars; one submission).

Conditions:
Left ventricular noncompaction 8 (LVNC8). Identifiers: Orphanet 154, Orphanet 54260, MedGen C3809288, MONDO:0014152, OMIM 615373.

Allele frequency attached by ClinVar (database versions not stated): TOPMed 0.00001; gnomAD 0.00002; ESP Exome Variant Server 0.00008; ExAC 0.00011; 1000 Genomes Project 30x 0.00016.
gnomAD v4.1: 83 of 1,613,000 alleles (0.0051%); highest among the groups gnomAD compares: South Asian, 0.063%; no homozygotes.

Submission:

Labcorp Genetics (formerly Invitae), Labcorp
Classification: Uncertain significance for Left ventricular noncompaction 8. Last evaluated: 2025-08-04. Review status: criteria provided, single submitter. Criteria: Invitae Variant Classification Sherloc (09022015). Collection method: clinical testing. Allele origin: germline.
Comment: This sequence change replaces glutamic acid, which is acidic and polar, with lysine, which is basic and polar, at codon 262 of the PRDM16 protein (p.Glu262Lys). This variant is present in population databases (rs376469401, gnomAD 0.06%), and has an allele count higher than expected for a pathogenic variant. This variant has not been reported in the literature in individuals affected with PRDM16-related conditions. ClinVar contains an entry for this variant (Variation ID: 2716200). An algorithm developed to predict the effect of missense changes on protein structure and function (PolyPhen-2) suggests that this variant is likely to be tolerated. In summary, the available evidence is currently insufficient to determine the role of this variant in disease. Therefore, it has been classified as a Variant of Uncertain Significance.